The following is an entry in ClinVar:

ClinVar aggregate classification (germline): Uncertain significance (1 of 4 stars; one submission).

Submission:

Labcorp Genetics (formerly Invitae), Labcorp
Classification: Uncertain significance. Last evaluated: 2022-08-07. Review status: criteria provided, single submitter. Criteria: Invitae Variant Classification Sherloc (09022015). Collection method: clinical testing. Allele origin: germline.
Comment: In summary, the available evidence is currently insufficient to determine the role of this variant in disease. Therefore, it has been classified as a Variant of Uncertain Significance. This variant has not been reported in the literature in individuals affected with LIG1-related conditions. This variant is not present in population databases (gnomAD no frequency). This sequence change creates a premature translational stop signal (p.His10Profs*7) in the LIG1 gene. It is expected to result in an absent or disrupted protein product. However, the current clinical and genetic evidence is not sufficient to establish whether loss-of-function variants in LIG1 cause disease.

NM_000234.3(LIG1):c.26dup (p.His10fs)

Gene: LIG1 (DNA ligase 1; minus strand). Cytogenetic location: 19q13.33.
Variant type: Duplication.
Coding change: c.26dup on transcript NM_000234.3 (MANE Select); coding-DNA position 26, one base duplicated (T; older notation c.26dupT).
Protein change: p.His10fs; shifts the reading frame from histidine 10.
Molecular consequence: frameshift variant. On other transcripts: non-coding transcript variant (2), intron variant (2).
Genome position (GRCh38, 1-based): chr19:48,162,343, A duplicated on the plus strand (T on the coding strand, the reverse complement: LIG1 is on the minus strand); the first of 5 consecutive A bases (chr19:48,162,343-48,162,347); duplicating any one gives the same sequence. VCF-style (leftmost placement, unchanged base first): chr19-48162342-G-GA. GRCh37 (hg19) VCF-style: chr19-48665599-G-GA.
Other names: c.26dup, p.His10fs (NM_001289064.2, NM_001320970.2); c.18-836dup (NM_001289063.2, NM_001320971.2); short protein forms H10fs.
Identifiers: ClinVar variation 2022493 (VCV002022493.4), dbSNP rs1165089530, ClinGen allele CA2580097571.